The following is an entry in ClinVar:

ClinVar aggregate classification (germline): Pathogenic (1 of 4 stars; one submission).

Submission:

Labcorp Genetics (formerly Invitae), Labcorp
Classification: Pathogenic. Last evaluated: 2022-10-18. Review status: criteria provided, single submitter. Criteria: Invitae Variant Classification Sherloc (09022015). Collection method: clinical testing. Allele origin: germline.
Comment: For these reasons, this variant has been classified as Pathogenic. This variant has not been reported in the literature in individuals affected with TECTA-related conditions. This variant is not present in population databases (gnomAD no frequency). This sequence change creates a premature translational stop signal (p.Tyr1792Metfs*13) in the TECTA gene. It is expected to result in an absent or disrupted protein product. Loss-of-function variants in TECTA are known to be pathogenic (PMID: 11087000, 12746400, 17431902, 24130743).

Literature cited by the submitters: PubMed 11087000; PubMed 12746400; PubMed 17431902; PubMed 24130743.

NM_005422.4(TECTA):c.5373del (p.Tyr1792fs)

Genes: TBCEL-TECTA (TBCEL-TECTA readthrough; plus strand), TECTA (tectorin alpha; plus strand). Cytogenetic location: 11q23.3.
Variant type: Deletion.
Coding change: c.5373del on transcript NM_005422.4 (MANE Select); coding-DNA position 5373, one base deleted (C; older notation c.5373delC).
Protein change: p.Tyr1792fs; shifts the reading frame from tyrosine 1792.
Molecular consequence: frameshift variant.
Genome position (GRCh38, 1-based): chr11:121,165,373, C deleted; the last of 6 consecutive C bases (chr11:121,165,368-121,165,373); deleting any one gives the same sequence. VCF-style (leftmost placement, unchanged base first): chr11-121165367-AC-A. GRCh37 (hg19) VCF-style: chr11-121036076-AC-A.
Other names: c.6315del, p.Tyr2106fs (NM_001378761.1); short protein forms Y1792fs, Y2106fs.
Identifiers: ClinVar variation 2871353 (VCV002871353.3), dbSNP rs777825421, ClinGen allele CA645572014.